The following is an entry in ClinVar:

NM_001267550.2(TTN):c.66884G>A (p.Trp22295Ter)

Genes: TTN (titin; minus strand), TTN-AS1 (TTN antisense RNA 1; plus strand). Cytogenetic location: 2q31.2.
Variant type: single nucleotide variant.
Coding change: c.66884G>A on transcript NM_001267550.2 (MANE Select); coding-DNA position 66884, G replaced by A.
Protein change: p.Trp22295Ter; replaces tryptophan 22295 with a stop codon.
Molecular consequence: nonsense.
Genome position (GRCh38, 1-based): chr2:178,580,495, C>T on the plus strand (G>A on the coding strand, the complement: TTN is on the minus strand). VCF-style: chr2-178580495-C-T. GRCh37 (hg19) VCF-style: chr2-179445222-C-T.
Other names: c.61961G>A, p.Trp20654Ter (NM_001256850.1); c.39689G>A, p.Trp13230Ter (NM_003319.4); c.59180G>A, p.Trp19727Ter (NM_133378.4); c.40064G>A, p.Trp13355Ter (NM_133432.3); c.40265G>A, p.Trp13422Ter (NM_133437.4); short protein forms W13230*, W13355*, W13422*, W19727*, W20654*, W22295*.
Identifiers: ClinVar variation 3362933 (VCV003362933.3).

ClinVar aggregate classification (germline): Likely pathogenic. Review status: criteria provided, single submitter (1 of 4 stars). 2 submissions from 2 submitters: Likely pathogenic (1). 1 of the submissions does not count toward it. Last evaluated 2025-03-23.

Conditions:
Dilated cardiomyopathy 1G (CMD1G). Identifiers: Orphanet 154, MedGen C1858763, MONDO:0011400, OMIM 604145.
Autosomal recessive limb-girdle muscular dystrophy type 2J (LGMDR10). Also called: Limb-girdle muscular dystrophy, type 2J; MUSCULAR DYSTROPHY, LIMB-GIRDLE, AUTOSOMAL RECESSIVE 10. Identifiers: Orphanet 140922, MedGen C1837342, MONDO:0012127, OMIM 608807.

gnomAD v4.1: 1 of 1,612,770 alleles (0.000062%); highest among the groups gnomAD compares: Non-Finnish European, 0.000085%; no homozygotes.

Submissions (2):

Labcorp Genetics (formerly Invitae), Labcorp
Classification: Likely pathogenic for Dilated cardiomyopathy 1G; Autosomal recessive limb-girdle muscular dystrophy type 2J. Last evaluated: 2025-03-23. Review status: criteria provided, single submitter. Criteria: Invitae Variant Classification Sherloc (09022015). Collection method: clinical testing. Allele origin: germline.
Comment: This sequence change creates a premature translational stop signal (p.Trp22295*) in the TTN gene. While this is not anticipated to result in nonsense mediated decay, it is expected to create a truncated TTN protein. This variant is not present in population databases (gnomAD no frequency). This variant has not been reported in the literature in individuals affected with TTN-related conditions. ClinVar contains an entry for this variant (Variation ID: 3362933). This variant is located in the A band of TTN (PMID: 25589632). Truncating variants in this region are significantly overrepresented in patients affected with dilated cardiomyopathy (PMID: 25589632). Truncating variants in this region have also been reported in individuals affected with autosomal recessive centronuclear myopathy (PMID: 23975875). In summary, the currently available evidence indicates that the variant is pathogenic, but additional data are needed to prove that conclusively. Therefore, this variant has been classified as Likely Pathogenic.

Cardiogenetics and Myogenetics Molecular and Cellular Functional Unit, Aphp Sorbonne University-Hopital Pitie Salpetriere
Classification: Likely pathogenic for Dilated cardiomyopathy 1G. Last evaluated: 2024-01-06. Review status: no assertion criteria provided. Collection method: clinical testing. Allele origin: germline. Affected: yes. Not counted in ClinVar's aggregate classification.

Literature cited by the submitters: PubMed 25589632 (cited by Labcorp Genetics (formerly Invitae), Labcorp); PubMed 23975875 (cited by Labcorp Genetics (formerly Invitae), Labcorp).